The following is an entry in ClinVar:

NM_000360.4(TH):c.91-896G>A

Gene: TH (tyrosine hydroxylase; minus strand). Cytogenetic location: 11p15.5.
Variant type: single nucleotide variant.
Coding change: c.91-896G>A on transcript NM_000360.4 (MANE Select); 896 bases into the intron before coding-DNA position 91, G replaced by A.
Molecular consequence: intron variant. On other transcripts: missense variant (2).
Genome position (GRCh38, 1-based): chr11:2,170,767, C>T on the plus strand (G>A on the coding strand, the complement: TH is on the minus strand). VCF-style: chr11-2170767-C-T. GRCh37 (hg19) VCF-style: chr11-2191997-C-T.
Other names: c.106G>A, p.Ala36Thr (NM_199292.3); c.94G>A, p.Ala32Thr (NM_199293.3); short protein forms A32T, A36T.
Identifiers: ClinVar variation 640633 (VCV000640633.49), dbSNP rs376736869, ClinGen allele CA5818831.

ClinVar aggregate classification (germline): Conflicting classifications of pathogenicity. Review status: criteria provided, conflicting classifications (1 of 4 stars). 5 submissions from 5 submitters: Uncertain significance (3); Likely benign (1). 1 of the submissions does not count toward it. Last evaluated 2026-08-23.

Conditions:
Inborn genetic diseases. Identifiers: MedGen C0950123, MeSH D030342.
TH-deficient dopa-responsive dystonia. Also called: Tyrosine Hydroxylase-Deficient Dopa-Responsive Dystonia; Segawa syndrome, autosomal recessive; DYT-TH. Identifiers: Orphanet 101150, MedGen C2673535, MONDO:0011551, OMIM 605407.

Allele frequency attached by ClinVar (database versions not stated): gnomAD 0.00012 and 0.00013; 1000 Genomes Project 0.00020; ESP Exome Variant Server 0.00024; gnomAD exomes 0.00028; 1000 Genomes Project 30x 0.00031; ExAC 0.00047.
gnomAD v4.1: 213 of 1,377,314 alleles (0.015%); highest among the groups gnomAD compares: Middle Eastern, 0.15%; 1 homozygote.

Submissions (5):

GeneDx
Classification: Uncertain significance. Last evaluated: 2026-08-23. Review status: criteria provided, single submitter. Criteria: GeneDx Variant Classification Process June 2021. Collection method: clinical testing. Allele origin: germline.
Comment: In silico analysis suggests that this missense variant does not alter protein structure/function; Has not been previously published as pathogenic or benign to our knowledge

CeGaT Center for Human Genetics Tuebingen
Classification: Uncertain significance. Last evaluated: 2026-03-01. Review status: criteria provided, single submitter. Criteria: CeGaT Center For Human Genetics Tuebingen Variant Classification Criteria Version 2. Collection method: clinical testing. Allele origin: germline. Affected: yes. Observed: 3 variant alleles.
Comment: TH: PM2

Labcorp Genetics (formerly Invitae), Labcorp
Classification: Likely benign for TH-deficient dopa-responsive dystonia. Last evaluated: 2024-10-16. Review status: criteria provided, single submitter. Criteria: Invitae Variant Classification Sherloc (09022015). Collection method: clinical testing. Allele origin: germline.

Ambry Genetics
Classification: Uncertain significance for Inborn genetic diseases. Last evaluated: 2023-05-22. Review status: criteria provided, single submitter. Criteria: Ambry Variant Classification Scheme 2023. Collection method: clinical testing. Allele origin: germline.

Natera, Inc.
Classification: Likely benign for Autosomal recessive Segawa syndrome. Last evaluated: 2020-08-26. Review status: no assertion criteria provided. Collection method: clinical testing. Allele origin: germline. Not counted in ClinVar's aggregate classification.